The following is an entry in ClinVar:

NM_032581.4(HYCC1):c.1415G>A (p.Cys472Tyr)

Gene: HYCC1 (hyccin PI4KA lipid kinase complex subunit 1; minus strand). Cytogenetic location: 7p15.3.
Variant type: single nucleotide variant.
Coding change: c.1415G>A on transcript NM_032581.4 (MANE Select); coding-DNA position 1415, G replaced by A.
Protein change: p.Cys472Tyr; replaces cysteine 472 with tyrosine.
Molecular consequence: missense variant. On other transcripts: 3 prime UTR variant (2).
Genome position (GRCh38, 1-based): chr7:22,945,740, C>T on the plus strand (G>A on the coding strand, the complement: HYCC1 is on the minus strand). VCF-style: chr7-22945740-C-T. GRCh37 (hg19) VCF-style: chr7-22985359-C-T.
Other names: c.*451G>A (NM_001363466.2); c.*409G>A (NM_001363467.2); short protein forms C472Y.
Identifiers: ClinVar variation 697441 (VCV000697441.17), dbSNP rs140356119, ClinGen allele CA4185731.

ClinVar aggregate classification (germline): Likely benign. Review status: criteria provided, multiple submitters, no conflicts (2 of 4 stars). 2 submissions from 2 submitters: Likely benign (2). Last evaluated 2026-03-01.

Conditions:
Hypomyelination and Congenital Cataract (HLD5). Also called: hypomyelinating leukodystrophy 5. Identifiers: Orphanet 85163, MedGen C1864663, MONDO:0012514, OMIM 610532.

Allele frequency attached by ClinVar (database versions not stated): gnomAD exomes 0.00029; ExAC 0.00033; ESP Exome Variant Server 0.00085; gnomAD 0.00093 and 0.00101; TOPMed 0.00117; 1000 Genomes Project 30x 0.00141; 1000 Genomes Project 0.00160.
gnomAD v4.1: 289 of 1,613,846 alleles (0.018%); highest among the groups gnomAD compares: African/African-American, 0.31%; 1 homozygote.

Submissions (2):

CeGaT Center for Human Genetics Tuebingen
Classification: Likely benign. Last evaluated: 2026-03-01. Review status: criteria provided, single submitter. Criteria: CeGaT Center For Human Genetics Tuebingen Variant Classification Criteria Version 2. Collection method: clinical testing. Allele origin: germline. Affected: yes. Observed: 2 variant alleles.
Comment: HYCC1: BP4

Labcorp Genetics (formerly Invitae), Labcorp
Classification: Likely benign for Hypomyelination and Congenital Cataract. Last evaluated: 2026-02-02. Review status: criteria provided, single submitter. Criteria: Invitae Variant Classification Sherloc (09022015). Collection method: clinical testing. Allele origin: germline.